The following is an entry in ClinVar:

NM_020778.5(ALPK3):c.500T>C (p.Leu167Pro)

Gene: ALPK3 (alpha kinase 3; plus strand). Cytogenetic location: 15q25.3.
Variant type: single nucleotide variant.
Coding change: c.500T>C on transcript NM_020778.5 (MANE Select); coding-DNA position 500, T replaced by C.
Protein change: p.Leu167Pro; replaces leucine 167 with proline.
Molecular consequence: missense variant.
Genome position (GRCh38, 1-based): chr15:84,839,779, T>C. VCF-style: chr15-84839779-T-C. GRCh37 (hg19) VCF-style: chr15-85383010-T-C.
Other names: short protein forms L167P.
Identifiers: ClinVar variation 3533196 (VCV003533196.2).

ClinVar aggregate classification (germline): Uncertain significance. Review status: criteria provided, multiple submitters, no conflicts (2 of 4 stars). 2 submissions from 2 submitters: Uncertain significance (2). Last evaluated 2026-08-06.

Conditions:
ALPK3-related disorder. Also called: ALPK3-related condition.
Cardiovascular phenotype. Identifiers: MedGen CN230736.

gnomAD v4.1: 2 of 1,614,080 alleles (0.00012%); highest among the groups gnomAD compares: Admixed American, 0.0033%; no homozygotes.

Submissions (2):

PreventionGenetics, part of Exact Sciences
Classification: Uncertain significance for ALPK3-related condition. Last evaluated: 2026-08-06. Review status: criteria provided, single submitter. Criteria: ACMG Guidelines, 2015. Collection method: clinical testing. Allele origin: germline.
Comment: The ALPK3 c.1106T>C variant is predicted to result in the amino acid substitution p.Leu369Pro. To our knowledge, this variant has not been reported in the literature. This variant is reported in 0.0058% of alleles in individuals of Latino descent in gnomAD. At this time, the clinical significance of this variant is uncertain due to the absence of conclusive functional and genetic evidence.

Ambry Genetics
Classification: Uncertain significance for Cardiovascular phenotype. Last evaluated: 2024-10-07. Review status: criteria provided, single submitter. Criteria: Ambry Variant Classification Scheme 2023. Collection method: clinical testing. Allele origin: germline.
Comment: The p.L369P variant (also known as c.1106T>C), located in coding exon 5 of the ALPK3 gene, results from a T to C substitution at nucleotide position 1106. The leucine at codon 369 is replaced by proline, an amino acid with similar properties. This amino acid position is conserved. In addition, this alteration is predicted to be deleterious by in silico analysis. Based on the available evidence, the clinical significance of this variant remains unclear.